The following is an entry in ClinVar:

NM_000548.5(TSC2):c.2062C>G (p.Leu688Val)

Gene: TSC2 (TSC complex subunit 2; plus strand). Cytogenetic location: 16p13.3.
Variant type: single nucleotide variant.
Coding change: c.2062C>G on transcript NM_000548.5 (MANE Select); coding-DNA position 2062, C replaced by G.
Protein change: p.Leu688Val; replaces leucine 688 with valine.
Molecular consequence: missense variant.
Genome position (GRCh38, 1-based): chr16:2,071,899, C>G. VCF-style: chr16-2071899-C-G. GRCh37 (hg19) VCF-style: chr16-2121900-C-G.
Other names: c.718C>G, p.Leu240Val (NM_001406692.1, NM_001406693.1, NM_001406694.1 and 6 more transcripts); c.460C>G, p.Leu154Val (NM_001406698.1); c.2062C>G, p.Leu688Val (NM_021055.3, NM_001077183.3, NM_001114382.3 and 6 more transcripts); c.1951C>G, p.Leu651Val (NM_001318827.2, NM_001406670.1, NM_001406678.1); c.1915C>G, p.Leu639Val (NM_001318829.2, NM_001406675.1, NM_001406676.1 and 1 more transcripts); c.1462C>G, p.Leu488Val (NM_001318831.2, NM_001406680.1, NM_001406682.1 and 6 more transcripts); c.2095C>G, p.Leu699Val (NM_001318832.2); c.2152C>G, p.Leu718Val (NM_001406667.1, NM_001406668.1); and 3 more; short protein forms L154V, L240V, L488V, L534V, L639V, L651V, L669V, L684V.
Identifiers: ClinVar variation 1801091 (VCV001801091.2), dbSNP rs1479736808, ClinGen allele CA394274641.

ClinVar aggregate classification (germline): Uncertain significance. Review status: criteria provided, multiple submitters, no conflicts (2 of 4 stars). 2 submissions from 2 submitters: Uncertain significance (2). Last evaluated 2024-08-21.

Conditions:
Hereditary cancer-predisposing syndrome. Also called: Neoplastic Syndromes, Hereditary; Tumor predisposition; Hereditary Cancer Syndrome; Hereditary neoplastic syndrome. Identifiers: Orphanet 140162, MedGen C0027672, MeSH D009386, MONDO:0015356.

Submissions (2):

Ambry Genetics
Classification: Uncertain significance for Hereditary cancer-predisposing syndrome. Last evaluated: 2024-08-21. Review status: criteria provided, single submitter. Criteria: Ambry Variant Classification Scheme 2023. Collection method: clinical testing. Allele origin: germline.
Comment: The p.L688V variant (also known as c.2062C>G), located in coding exon 18 of the TSC2 gene, results from a C to G substitution at nucleotide position 2062. The leucine at codon 688 is replaced by valine, an amino acid with highly similar properties. This amino acid position is conserved. In addition, the in silico prediction for this alteration is inconclusive. Based on the available evidence, the clinical significance of this variant remains unclear.

GeneDx
Classification: Uncertain significance. Last evaluated: 2022-05-27. Review status: criteria provided, single submitter. Criteria: GeneDx Variant Classification Process June 2021. Collection method: clinical testing. Allele origin: germline. Affected: yes.
Comment: Not observed at significant frequency in large population cohorts (gnomAD); In silico analysis supports that this missense variant does not alter protein structure/function; Has not been previously published as pathogenic or benign to our knowledge